The following is an entry in ClinVar:

ClinVar aggregate classification (germline): Pathogenic (1 of 4 stars; one submission).

Conditions:
Neurofibromatosis, type 1 (NF1). Also called: VON RECKLINGHAUSEN DISEASE; Peripheral type neurofibromatosis; NEUROFIBROMATOSIS, TYPE I, SOMATIC; Neurofibromatosis, type I. Identifiers: Orphanet 636, MedGen C0027831, MONDO:0018975, OMIM 162200. Disease mechanism: loss of function.

Submission:

Labcorp Genetics (formerly Invitae), Labcorp
Classification: Pathogenic for Neurofibromatosis, type 1. Last evaluated: 2025-10-01. Review status: criteria provided, single submitter. Criteria: Invitae Variant Classification Sherloc (09022015). Collection method: clinical testing. Allele origin: germline.
Comment: This sequence change creates a premature translational stop signal (p.Asn1482Lysfs*27) in the NF1 gene. It is expected to result in an absent or disrupted protein product. Loss-of-function variants in NF1 are known to be pathogenic (PMID: 10712197, 23913538). This variant is not present in population databases (gnomAD no frequency). This variant has not been reported in the literature in individuals affected with NF1-related conditions. For these reasons, this variant has been classified as Pathogenic.

Literature cited by the submitters: PubMed 10712197; PubMed 23913538.

NM_001042492.3(NF1):c.4508dup (p.Asn1503fs)

Gene: NF1 (neurofibromin 1; plus strand). Cytogenetic location: 17q11.2.
Variant type: Duplication.
Coding change: c.4508dup on transcript NM_001042492.3 (MANE Select); coding-DNA position 4508, one base duplicated (A; older notation c.4508dupA).
Protein change: p.Asn1503fs; shifts the reading frame from asparagine 1503.
Molecular consequence: frameshift variant.
Genome position (GRCh38, 1-based): chr17:31,260,446, A duplicated; the last of 2 consecutive A bases (chr17:31,260,445-31,260,446); duplicating either gives the same sequence. VCF-style (leftmost placement, unchanged base first): chr17-31260444-C-CA. GRCh37 (hg19) VCF-style: chr17-29587462-C-CA.
Other names: c.4445dup, p.Asn1482fs (NM_000267.4); short protein forms N1482fs, N1503fs.
Identifiers: ClinVar variation 4728209 (VCV004728209.1).